The following is an entry in ClinVar:

NM_020928.2(ZSWIM6):c.2788G>A (p.Val930Ile)

Gene: ZSWIM6 (zinc finger SWIM-type containing 6; plus strand). Cytogenetic location: 5q12.1.
Variant type: single nucleotide variant.
Coding change: c.2788G>A on transcript NM_020928.2 (MANE Select); coding-DNA position 2788, G replaced by A.
Protein change: p.Val930Ile; replaces valine 930 with isoleucine.
Molecular consequence: missense variant.
Genome position (GRCh38, 1-based): chr5:61,543,457, G>A. VCF-style: chr5-61543457-G-A. GRCh37 (hg19) VCF-style: chr5-60839284-G-A.
Other names: c.2788G>A (NM_020928.1); short protein forms V930I.
Identifiers: ClinVar variation 1530074 (VCV001530074.36), dbSNP rs748023376, ClinGen allele CA3278480.

ClinVar aggregate classification (germline): Benign/Likely benign. Review status: criteria provided, multiple submitters, no conflicts (2 of 4 stars). 6 submissions from 6 submitters: Benign (1); Likely benign (4). 1 of the submissions does not count toward it. Last evaluated 2026-01-01.

Conditions:
Inborn genetic diseases. Identifiers: MedGen C0950123, MeSH D030342.
ZSWIM6-related disorder. Also called: ZSWIM6-related condition.

Allele frequency attached by ClinVar (database versions not stated): ExAC 0.00010.
gnomAD v4.1: 499 of 1,548,510 alleles (0.032%); highest among the groups gnomAD compares: Middle Eastern, 0.22%; no homozygotes.

Submissions (6):

CeGaT Center for Human Genetics Tuebingen
Classification: Likely benign. Last evaluated: 2026-01-01. Review status: criteria provided, single submitter. Criteria: CeGaT Center For Human Genetics Tuebingen Variant Classification Criteria Version 2. Collection method: clinical testing. Allele origin: germline. Affected: yes. Observed: 5 variant alleles.
Comment: ZSWIM6: BS1

Labcorp Genetics (formerly Invitae), Labcorp
Classification: Benign. Last evaluated: 2025-10-24. Review status: criteria provided, single submitter. Criteria: Invitae Variant Classification Sherloc (09022015). Collection method: clinical testing. Allele origin: germline.

Laboratory of Genetics, Children's Clinical University Hospital Latvia
Classification: Likely benign. Last evaluated: 2025-02-16. Review status: criteria provided, single submitter. Criteria: ACMG Guidelines, 2015. Collection method: clinical testing. Allele origin: germline. Affected: yes.

Blueprint Genetics
Classification: Likely benign. Last evaluated: 2024-10-02. Review status: criteria provided, single submitter. Criteria: ACMG Guidelines, 2015. Collection method: clinical testing. Allele origin: germline.

Ambry Genetics
Classification: Likely benign for Inborn genetic diseases. Last evaluated: 2021-10-29. Review status: criteria provided, single submitter. Criteria: Ambry Variant Classification Scheme 2023. Collection method: clinical testing. Allele origin: germline.

PreventionGenetics, part of Exact Sciences
Classification: Likely benign for ZSWIM6-related condition. Last evaluated: 2022-02-18. Review status: no assertion criteria provided. Collection method: clinical testing. Allele origin: germline. Not counted in ClinVar's aggregate classification.
Comment: This variant is classified as likely benign based on ACMG/AMP sequence variant interpretation guidelines (Richards et al. 2015 PMID: 25741868, with internal and published modifications).